The following is an entry in ClinVar:

ClinVar aggregate classification (germline): Uncertain significance. Review status: criteria provided, multiple submitters, no conflicts (2 of 4 stars). 2 submissions from 2 submitters: Uncertain significance (2). Last evaluated 2026-01-06.

Conditions:
Cerebral palsy, spastic quadriplegic, 2 (CPSQ2). Identifiers: Orphanet 210141, MedGen C2752061, MONDO:0013033, OMIM 612900.

Allele frequency attached by ClinVar (database versions not stated): gnomAD exomes 0.00004 and 0.00008; ExAC 0.00005; TOPMed 0.00006; gnomAD 0.00009 and 0.00011.

Submissions (2):

Labcorp Genetics (formerly Invitae), Labcorp
Classification: Uncertain significance. Last evaluated: 2026-01-06. Review status: criteria provided, single submitter. Criteria: Invitae Variant Classification Sherloc (09022015). Collection method: clinical testing. Allele origin: germline.
Comment: This variant, c.1818_1820del, results in the deletion of 1 amino acid(s) of the KANK1 protein (p.Glu608del), but otherwise preserves the integrity of the reading frame. This variant is present in population databases (rs776592186, gnomAD 0.009%). This variant has not been reported in the literature in individuals affected with KANK1-related conditions. ClinVar contains an entry for this variant (Variation ID: 1356128). Experimental studies and prediction algorithms are not available or were not evaluated, and the functional significance of this variant is currently unknown. In summary, the available evidence is currently insufficient to determine the role of this variant in disease. Therefore, it has been classified as a Variant of Uncertain Significance.

Fulgent Genetics
Classification: Uncertain significance for Cerebral palsy, spastic quadriplegic, 2. Last evaluated: 2021-12-05. Review status: criteria provided, single submitter. Criteria: ACMG Guidelines, 2015. Collection method: clinical testing. Allele origin: unknown.

NM_015158.5(KANK1):c.1818_1820del (p.Glu608del)

Gene: KANK1 (KN motif and ankyrin repeat domains 1; plus strand). Cytogenetic location: 9p24.3.
Variant type: Deletion.
Coding change: c.1818_1820del on transcript NM_015158.5 (MANE Select); coding-DNA positions 1818 to 1820, 3 bases deleted (AGA; older notation c.1818_1820delAGA).
Protein change: p.Glu608del; deletes glutamic acid 608.
Molecular consequence: inframe deletion. On other transcripts: non-coding transcript variant (1).
Genome position (GRCh38, 1-based): chr9:712,584-712,586, AGA deleted. VCF-style (leftmost placement, unchanged base first): chr9-712583-CAGA-C. GRCh37 (hg19) VCF-style: chr9-712583-CAGA-C.
Other names: c.1818_1820del, p.Glu608del (NM_001256876.3, NM_001256877.3, NM_001354331.2 and 2 more transcripts); c.1344_1346del, p.Glu450del (NM_001354333.2, NM_001354335.2, NM_001354336.2 and 9 more transcripts); short protein forms E450del, E608del.
Identifiers: ClinVar variation 1356128 (VCV001356128.9), dbSNP rs776592186, ClinGen allele CA4960330.